The following is an entry in ClinVar:

ClinVar aggregate classification (germline): Uncertain significance. Review status: criteria provided, multiple submitters, no conflicts (2 of 4 stars). 2 submissions from 2 submitters: Uncertain significance (2). Last evaluated 2024-08-11.

Conditions:
Inborn genetic diseases. Identifiers: MedGen C0950123, MeSH D030342.

gnomAD v4.1: 132 of 1,559,970 alleles (0.0085%); highest among the groups gnomAD compares: African/African-American, 0.15%; no homozygotes.

Submissions (2):

Ambry Genetics
Classification: Uncertain significance for Inborn genetic diseases. Last evaluated: 2024-08-11. Review status: criteria provided, single submitter. Criteria: Ambry Variant Classification Scheme 2023. Collection method: clinical testing. Allele origin: germline.

Labcorp Genetics (formerly Invitae), Labcorp
Classification: Uncertain significance. Last evaluated: 2024-06-26. Review status: criteria provided, single submitter. Criteria: Invitae Variant Classification Sherloc (09022015). Collection method: clinical testing. Allele origin: germline.
Comment: This sequence change replaces glutamine, which is neutral and polar, with lysine, which is basic and polar, at codon 20 of the TRAPPC12 protein (p.Gln20Lys). This variant is present in population databases (rs368311025, gnomAD 0.2%). This variant has not been reported in the literature in individuals affected with TRAPPC12-related conditions. Advanced modeling of protein sequence and biophysical properties (such as structural, functional, and spatial information, amino acid conservation, physicochemical variation, residue mobility, and thermodynamic stability) performed at Invitae indicates that this missense variant is not expected to disrupt TRAPPC12 protein function with a negative predictive value of 80%. In summary, the available evidence is currently insufficient to determine the role of this variant in disease. Therefore, it has been classified as a Variant of Uncertain Significance.

NM_016030.6(TRAPPC12):c.58C>A (p.Gln20Lys)

Gene: TRAPPC12 (trafficking protein particle complex subunit 12; plus strand). Cytogenetic location: 2p25.3.
Variant type: single nucleotide variant.
Coding change: c.58C>A on transcript NM_016030.6 (MANE Select); coding-DNA position 58, C replaced by A.
Protein change: p.Gln20Lys; replaces glutamine 20 with lysine.
Molecular consequence: missense variant.
Genome position (GRCh38, 1-based): chr2:3,387,681, C>A. VCF-style: chr2-3387681-C-A. GRCh37 (hg19) VCF-style: chr2-3391452-C-A.
Other names: c.58C>A, p.Gln20Lys (NM_001321102.2); short protein forms Q20K.
Identifiers: ClinVar variation 3460893 (VCV003460893.3).